The following is an entry in ClinVar:

ClinVar aggregate classification (germline): Benign. Review status: criteria provided, multiple submitters, no conflicts (2 of 4 stars). 10 submissions from 10 submitters: Benign (8). 2 of the submissions do not count toward it. Last evaluated 2026-02-03.

Conditions:
Autosomal dominant nonsyndromic hearing loss 2A. Also called: Autosomal dominant nonsyndromic deafness 2A; DFNA2 Nonsyndromic Hearing Loss; Deafness, autosomal dominant 2A. Identifiers: Orphanet 90635, MedGen C2677637, MONDO:0010817, OMIM 600101.

Allele frequency attached by ClinVar (database versions not stated): 1000 Genomes Project 30x 0.09338; 1000 Genomes Project 0.09405; TOPMed 0.15339; gnomAD 0.16693 and 0.16898; ESP Exome Variant Server 0.17513; gnomAD exomes 0.17636 and 0.22161; ExAC 0.20284.
gnomAD v4.1: 347,477 of 1,609,926 alleles (22%); highest among the groups gnomAD compares: Non-Finnish European, 24%; 40,609 homozygotes.

Submissions (10):

Labcorp Genetics (formerly Invitae), Labcorp
Classification: Benign. Last evaluated: 2026-02-03. Review status: criteria provided, single submitter. Criteria: Invitae Variant Classification Sherloc (09022015). Collection method: clinical testing. Allele origin: germline.

ARUP Laboratories, Molecular Genetics and Genomics, ARUP Laboratories
Classification: Benign for Autosomal dominant nonsyndromic hearing loss 2A. Last evaluated: 2023-11-22. Review status: criteria provided, single submitter. Criteria: ARUP Molecular Germline Variant Investigation Process 2024. Collection method: clinical testing. Allele origin: germline.

Genome-Nilou Lab
Classification: Benign for Autosomal dominant nonsyndromic hearing loss 2A. Last evaluated: 2021-08-19. Review status: criteria provided, single submitter. Criteria: ACMG Guidelines, 2015. Collection method: clinical testing. Allele origin: germline. Affected: no.

Mayo Clinic Laboratories, Mayo Clinic
Classification: Benign. Last evaluated: 2019-05-17. Review status: criteria provided, single submitter. Criteria: ACMG Guidelines, 2015. Collection method: clinical testing. Allele origin: germline. Observed: 65 variant alleles.

GeneDx
Classification: Benign. Last evaluated: 2017-08-03. Review status: criteria provided, single submitter. Criteria: GeneDx Variant Classification (06012015). Collection method: clinical testing. Allele origin: germline. Affected: yes.
Comment: This variant is considered likely benign or benign based on one or more of the following criteria: it is a conservative change, it occurs at a poorly conserved position in the protein, it is predicted to be benign by multiple in silico algorithms, and/or has population frequency not consistent with disease.

Laboratory for Molecular Medicine, Mass General Brigham Personalized Medicine
Classification: Benign. Last evaluated: 2012-05-07. Review status: criteria provided, single submitter. Criteria: LMM Criteria. Collection method: clinical testing. Allele origin: germline. Observed: 564 variant alleles.
Comment: His455Gln in Exon 10 of KCNQ4: This variant is not expected to have clinical sig nificance because it has been identified in 24.0% (1685/7018) of European Americ an chromosomes from a broad population by the NHLBI Exome Sequencing Project (dbSNP rs34287852).

Breakthrough Genomics
Classification: Benign. Review status: criteria provided, single submitter. Criteria: ACMG Guidelines, 2015. Collection method: not provided. Allele origin: germline. Inheritance: Autosomal dominant inheritance. Affected: yes.

PreventionGenetics, part of Exact Sciences
Classification: Benign. Review status: criteria provided, single submitter. Criteria: ACMG Guidelines, 2015. Collection method: clinical testing. Allele origin: germline.

Clinical Genetics DNA and cytogenetics Diagnostics Lab, Erasmus MC, Erasmus Medical Center
Classification: Benign. Review status: no assertion criteria provided. Collection method: clinical testing. Allele origin: germline. Affected: yes. Study: VKGL Data-share Consensus. Not counted in ClinVar's aggregate classification.

Joint Genome Diagnostic Labs from Nijmegen and Maastricht, Radboudumc and MUMC+
Classification: Benign. Review status: no assertion criteria provided. Collection method: clinical testing. Allele origin: germline. Affected: yes. Study: VKGL Data-share Consensus. Not counted in ClinVar's aggregate classification.

NM_004700.4(KCNQ4):c.1365T>G (p.His455Gln)

Gene: KCNQ4 (potassium voltage-gated channel subfamily Q member 4; plus strand). Cytogenetic location: 1p34.2.
Variant type: single nucleotide variant.
Coding change: c.1365T>G on transcript NM_004700.4 (MANE Select); coding-DNA position 1365, T replaced by G.
Protein change: p.His455Gln; replaces histidine 455 with glutamine.
Molecular consequence: missense variant.
Genome position (GRCh38, 1-based): chr1:40,831,156, T>G. VCF-style: chr1-40831156-T-G. GRCh37 (hg19) VCF-style: chr1-41296828-T-G.
Other names: c.1203T>G, p.His401Gln (NM_172163.3); short protein forms H455Q, H401Q.
Identifiers: ClinVar variation 45101 (VCV000045101.30), dbSNP rs34287852, ClinGen allele CA135528.